The following is an entry in ClinVar:

ClinVar aggregate classification (germline): Uncertain significance. Review status: criteria provided, multiple submitters, no conflicts (2 of 4 stars). 2 submissions from 2 submitters: Uncertain significance (2). Last evaluated 2022-02-12.

Conditions:
Glycogen storage disease, type V (GSD5). Also called: PYGM DEFICIENCY; MCARDLE DISEASE; MUSCLE GLYCOGEN PHOSPHORYLASE DEFICIENCY; MYOPHOSPHORYLASE DEFICIENCY; McArdle type glycogen storage disease. Identifiers: Orphanet 368, MedGen C0017924, MONDO:0009293, OMIM 232600.

Allele frequency attached by ClinVar (database versions not stated): TOPMed below 0.00001; gnomAD exomes 0.00001.
gnomAD v4.1: 7 of 1,608,090 alleles (0.00044%); highest among the groups gnomAD compares: Non-Finnish European, 0.00059%; no homozygotes.

Submissions (2):

Revvity Omics, Revvity
Classification: Uncertain significance for Glycogen storage disease, type V. Last evaluated: 2022-02-12. Review status: criteria provided, single submitter. Criteria: ACMG Guidelines, 2015. Collection method: clinical testing. Allele origin: germline.

Labcorp Genetics (formerly Invitae), Labcorp
Classification: Uncertain significance for Glycogen storage disease, type V. Last evaluated: 2022-01-26. Review status: criteria provided, single submitter. Criteria: Invitae Variant Classification Sherloc (09022015). Collection method: clinical testing. Allele origin: germline.
Comment: This sequence change replaces alanine, which is neutral and non-polar, with valine, which is neutral and non-polar, at codon 443 of the PYGM protein (p.Ala443Val). The frequency data for this variant in the population databases is considered unreliable, as metrics indicate poor data quality at this position in the gnomAD database. This variant has not been reported in the literature in individuals affected with PYGM-related conditions. Algorithms developed to predict the effect of missense changes on protein structure and function are either unavailable or do not agree on the potential impact of this missense change (SIFT: "Not Available"; PolyPhen-2: "Possibly Damaging"; Align-GVGD: "Not Available"). In summary, the available evidence is currently insufficient to determine the role of this variant in disease. Therefore, it has been classified as a Variant of Uncertain Significance.

NM_005609.4(PYGM):c.1328C>T (p.Ala443Val)

Gene: PYGM (glycogen phosphorylase, muscle associated; minus strand). Cytogenetic location: 11q13.1.
Variant type: single nucleotide variant.
Coding change: c.1328C>T on transcript NM_005609.4 (MANE Select); coding-DNA position 1328, C replaced by T.
Protein change: p.Ala443Val; replaces alanine 443 with valine.
Molecular consequence: missense variant.
Genome position (GRCh38, 1-based): chr11:64,753,594, G>A on the plus strand (C>T on the coding strand, the complement: PYGM is on the minus strand). VCF-style: chr11-64753594-G-A. GRCh37 (hg19) VCF-style: chr11-64521066-G-A.
Other names: c.1064C>T, p.Ala355Val (NM_001164716.1); short protein forms A355V, A443V.
Identifiers: ClinVar variation 2159787 (VCV002159787.4), dbSNP rs922555750, ClinGen allele CA223900304.